The following continues an entry in ClinVar:

NM_000152.5(GAA):c.307T>G (p.Cys103Gly)

ClinVar aggregate classification (germline): Pathogenic. Pathogenic (1).

Submissions 11 to 19 of 19:

AiLife Diagnostics
Classification: Pathogenic. Last evaluated: 2022-02-28. Review status: criteria provided, single submitter. Criteria: ACMG Guidelines, 2015. Collection method: clinical testing. Allele origin: germline. Affected: yes. Observed: 2 variant alleles. Not counted in ClinVar's aggregate classification.

Fulgent Genetics
Classification: Likely pathogenic for Glycogen storage disease, type II. Last evaluated: 2021-10-23. Review status: criteria provided, single submitter. Criteria: ACMG Guidelines, 2015. Collection method: clinical testing. Allele origin: unknown. Not counted in ClinVar's aggregate classification.

Institute of Human Genetics, University of Leipzig Medical Center
Classification: Pathogenic for Glycogen storage disease, type II. Last evaluated: 2021-07-08. Review status: criteria provided, single submitter. Criteria: ACMG Guidelines, 2015. Collection method: clinical testing. Allele origin: unknown. Affected: yes. Not counted in ClinVar's aggregate classification.
Comment: This variant was identified in trans as compound heterozygous with NM_000152.5:c.-32-13T>G.

Broad Center for Mendelian Genomics, Broad Institute of MIT and Harvard
Classification: Likely pathogenic for Glycogen storage disease, type II. Last evaluated: 2020-01-22. Review status: criteria provided, single submitter. Criteria: ACMG Guidelines, 2015. Collection method: curation. Allele origin: germline. Inheritance: Autosomal recessive inheritance. Not counted in ClinVar's aggregate classification.
Comment: The heterozygous p.Cys103Gly variant in GAA has been reported in 13 individuals (including 8 Germans, 1 Australian, 1 Greek and 1 Italian individuals) with Glycogen Storage Disease II, segregated with disease in 2 affected siblings from 1 family (PMID: 14695532, 22676651, 16838077, 23160972, 18607768, 18429042, 17643989, 24158270, 29565424, 18285536, 28196920), and has also been reported pathogenic by EGL Genetic Diagnostics, Invitae, and GeneDx in ClinVar (Variation ID: 92483). This variant has been identified in 0.006% (1/15414) of European (non-Finnish) chromosome by the Genome Aggregation Database (gnomAD; dbSNP rs398123174). Although this variant has been seen in the general population, its frequency is low enough to be consistent with a recessive carrier frequency. In vitro functional studies with COS cells transfected with this variant provide some evidence that the p.Cys103Gly variant may impact GAA protein processing and activity (PMID: 14695532). However, these types of assays may not accurately represent biological function. Computational prediction tools and conservation analyses suggest that this variant may impact the protein, though this information is not predictive enough to determine pathogenicity. The presence of this variant in combination with a pathogenic variant and in individuals with Glycogen Storage Disease II increases the likelihood that the p.Cys103Gly variant is pathogenic (PMID: 16838077, 24158270, 20033296, 28196920, 22676651, 18285536). The phenotype of individuals heterozygous for this variant is highly specific for Glycogen Storage Disease II based on reduced GAA activity in relevant tissues, consistent with disease (PMID: 16838077, 24158270, 20033296, 28196920, 22676651, 18285536). In summary, although additional studies are required to fully establish its clinical significance, this variant is likely pathogenic. ACMG/AMP Criteria applied: PM3_Supporting, PS3, PM2, PP3, PP4 (Richards 2015).

Women's Health and Genetics/Laboratory Corporation of America, LabCorp
Classification: Pathogenic for Glycogen storage disease, type II. Last evaluated: 2019-05-06. Review status: criteria provided, single submitter. Criteria: LabCorp Variant Classification Summary - May 2015. Collection method: clinical testing. Allele origin: germline. Not counted in ClinVar's aggregate classification.
Comment: Variant summary: GAA c.307T>G (p.Cys103Gly) results in a non-conservative amino acid change located in the P-type trefoil domain (IPR000519) of the encoded protein sequence. Five of five in-silico tools predict a damaging effect of the variant on protein function. The variant was absent in 248096 control chromosomes (gnomAD). c.307T>G has been reported in the literature in multiple individuals affected with late onset and infantile forms of Pompe Disease (e.g. Hermans_2004, Remiche_2014). These data indicate that the variant is very likely to be associated with disease. Experimental evidence from an in vitro study reports greater than 98% loss of enzymatic activity (Hermans_2004) for this variant. One clinical diagnostic laboratory has submitted clinical-significance assessments for this variant to ClinVar after 2014 without evidence for independent evaluation and classified the variant as pathogenic. Based on the evidence outlined above, the variant was classified as pathogenic.

Department of Pathology and Laboratory Medicine, Sinai Health System
Classification: Pathogenic for Glycogen storage disease, type II. Last evaluated: 2015-12-29. Review status: criteria provided, single submitter. Criteria: ACMG Guidelines, 2015. Collection method: clinical testing. Allele origin: germline. Not counted in ClinVar's aggregate classification.

Laboratory for Molecular Medicine, Mass General Brigham Personalized Medicine
Classification: Pathogenic for Glycogen storage disease. Last evaluated: 2015-12-23. Review status: criteria provided, single submitter. Criteria: ACMG Guidelines, 2015. Collection method: clinical testing. Allele origin: germline. Inheritance: Autosomal recessive inheritance. Not counted in ClinVar's aggregate classification.
Comment: The p.Cys103Gly variant in GAA has been reported in 7 individuals with glycogen storage disease II, all of whom were compound heterozygous with a second pathogenic GAA variant (Hermans 2004, Kroos 2007, Joshi 2008, Fidzianska 2011, Remiche 2014). This variant was absent from large population studies. In vitro functional studies provide some evidence that the p.Cys103Gly variant may impact protein function (Hermans 2004). In summary, this variant meets our criteria to be classified as pathogenic for glycogen storage disease II in an autosomal recessive manner based upon absence from controls and multiple occurrences with pathogenic GAA variants in individuals with glycogen storage disease II.

Eurofins Ntd Llc (ga)
Classification: Pathogenic. Last evaluated: 2012-11-14. Review status: criteria provided, single submitter. Criteria: EGL Classification Definitions. Collection method: clinical testing. Allele origin: germline. Observed: 3 variant alleles, 3 heterozygotes. Not counted in ClinVar's aggregate classification.

PreventionGenetics, part of Exact Sciences
Classification: Pathogenic for GAA-related condition. Last evaluated: 2024-08-09. Review status: no assertion criteria provided. Collection method: clinical testing. Allele origin: germline. Not counted in ClinVar's aggregate classification.
Comment: The GAA c.307T>G variant is predicted to result in the amino acid substitution p.Cys103Gly. This variant was reported in the compound heterozygous state in multiple patients with Pompe disease (Hermans et al. 2004. PubMed ID: 14695532; Fidziańska A et al. 2010. PubMed ID: 21109266; Remiche et al. 2013. PubMed ID: 24158270; Löscher et al. 2017. PubMed ID: 29181627). In one patient, GAA residual activity in muscle tissue was ~5% (Remiche et al. 2013. PubMed ID: 24158270). In vitro functional characterization also suggests that this variant is deleterious (Hermans et al. 2004. PubMed ID: 14695532). This variant is classified as pathogenic by the majority of submitters in Clinvar including the ClinGen Lysosomal Storage Disorder Variant Curation Expert Panel. This variant is reported in 0.00079% of alleles in individuals of European (Non-Finnish) descent in gnomAD. This variant is interpreted as pathogenic.

Literature cited by the submitters: PubMed 34852371 (cited by Genomenon, Inc); PubMed 34734785 (cited by Genomenon, Inc); PubMed 34156025 (cited by Genomenon, Inc); PubMed 31899940 (cited by Genomenon, Inc); PubMed 29803406 (cited by Genomenon, Inc); PubMed 24011652 (cited by Genomenon, Inc); PubMed 18285536 (cited by Genomenon, Inc); PubMed 24495340 (cited by Genomenon, Inc); PubMed 22676651 (cited by 3 submitters); PubMed 33560568 (cited by Genomenon, Inc and AiLife Diagnostics); PubMed 14695532 (cited by 6 submitters); PubMed 19862843 (cited by Genomenon, Inc); PubMed 31301153 (cited by Genomenon, Inc and AiLife Diagnostics); PubMed 18429042 (cited by Labcorp Genetics (formerly Invitae), Labcorp and Broad Center for Mendelian Genomics, Broad Institute of MIT and Harvard); PubMed 18607768 (cited by 3 submitters); PubMed 21109266 (cited by 5 submitters); PubMed 24158270 (cited by 4 submitters); PubMed 29181627 (cited by Labcorp Genetics (formerly Invitae), Labcorp and AiLife Diagnostics); PubMed 34072668 (cited by Natera, Inc.); PubMed 31086307 (cited by AiLife Diagnostics); PubMed 30105547 (cited by AiLife Diagnostics); PubMed 17643989 (cited by Broad Center for Mendelian Genomics, Broad Institute of MIT and Harvard); PubMed 16838077 (cited by Broad Center for Mendelian Genomics, Broad Institute of MIT and Harvard); PubMed 23160972 (cited by Broad Center for Mendelian Genomics, Broad Institute of MIT and Harvard); PubMed 17210890 (cited by Laboratory for Molecular Medicine, Mass General Brigham Personalized Medicine); PubMed 22644586 (cited by Laboratory for Molecular Medicine, Mass General Brigham Personalized Medicine); PubMed 24685124 (cited by Laboratory for Molecular Medicine, Mass General Brigham Personalized Medicine).